The following is an entry in ClinVar:

NM_001605.3(AARS1):c.1428G>C (p.Arg476=)

Gene: AARS1 (alanyl-tRNA synthetase 1; minus strand). Cytogenetic location: 16q22.1.
Variant type: single nucleotide variant.
Coding change: c.1428G>C on transcript NM_001605.3 (MANE Select); coding-DNA position 1428, G replaced by C.
Protein change: p.Arg476=; no amino-acid change (arginine 476 retained).
Molecular consequence: synonymous variant.
Genome position (GRCh38, 1-based): chr16:70,265,022, C>G on the plus strand (G>C on the coding strand, the complement: AARS1 is on the minus strand). VCF-style: chr16-70265022-C-G. GRCh37 (hg19) VCF-style: chr16-70298925-C-G.
Identifiers: ClinVar variation 382360 (VCV000382360.49), dbSNP rs80257731, ClinGen allele CA8140816.

ClinVar aggregate classification (germline): Benign/Likely benign. Review status: criteria provided, multiple submitters, no conflicts (2 of 4 stars). 9 submissions from 9 submitters: Benign (3); Likely benign (5). 1 of the submissions does not count toward it. Last evaluated 2026-06-01.

Conditions:
AARS1-related disorder. Also called: AARS1-related condition.
Charcot-Marie-Tooth disease axonal type 2N (CMT2N). Also called: Charcot-Marie-Tooth Neuropathy Type 2N; CHARCOT-MARIE-TOOTH DISEASE, AXONAL, AUTOSOMAL DOMINANT, TYPE 2N; CHARCOT-MARIE-TOOTH NEUROPATHY, AXONAL, TYPE 2N. Identifiers: Orphanet 228174, MedGen C2750090, MONDO:0013212, OMIM 613287.
Charcot-Marie-Tooth disease type 2. Also called: Charcot-Marie-Tooth type 2. Identifiers: Orphanet 64746, MedGen C0270914, MONDO:0018993.
Inborn genetic diseases. Identifiers: MedGen C0950123, MeSH D030342.

Allele frequency attached by ClinVar (database versions not stated): 1000 Genomes Project 30x 0.00016; 1000 Genomes Project 0.00020; ExAC 0.00032; gnomAD exomes 0.00037 and 0.00040; ESP Exome Variant Server 0.00038; gnomAD 0.00041; TOPMed 0.00043.
gnomAD v4.1: 619 of 1,614,152 alleles (0.038%); highest among the groups gnomAD compares: Middle Eastern, 0.2%; 1 homozygote.

Submissions (9):

CeGaT Center for Human Genetics Tuebingen
Classification: Likely benign. Last evaluated: 2026-06-01. Review status: criteria provided, single submitter. Criteria: CeGaT Center For Human Genetics Tuebingen Variant Classification Criteria Version 2. Collection method: clinical testing. Allele origin: germline. Affected: yes. Observed: 8 variant alleles.
Comment: AARS1: BP4, BP7

Labcorp Genetics (formerly Invitae), Labcorp
Classification: Benign for Charcot-Marie-Tooth disease type 2. Last evaluated: 2026-01-21. Review status: criteria provided, single submitter. Criteria: Invitae Variant Classification Sherloc (09022015). Collection method: clinical testing. Allele origin: germline.

ARUP Laboratories, Molecular Genetics and Genomics, ARUP Laboratories
Classification: Benign. Last evaluated: 2025-04-21. Review status: criteria provided, single submitter. Criteria: ARUP Molecular Germline Variant Investigation Process 2024. Collection method: clinical testing. Allele origin: germline.

Blueprint Genetics
Classification: Likely benign. Last evaluated: 2024-11-26. Review status: criteria provided, single submitter. Criteria: ACMG Guidelines, 2015. Collection method: clinical testing. Allele origin: germline.

GeneDx
Classification: Likely benign. Last evaluated: 2020-12-07. Review status: criteria provided, single submitter. Criteria: GeneDx Variant Classification Process June 2021. Collection method: clinical testing. Allele origin: germline. Affected: yes.

Ambry Genetics
Classification: Likely benign for Inborn genetic diseases. Last evaluated: 2019-07-11. Review status: criteria provided, single submitter. Criteria: Ambry Variant Classification Scheme 2023. Collection method: clinical testing. Allele origin: germline.

Illumina Laboratory Services, Illumina
Classification: Benign for Charcot-Marie-Tooth disease axonal type 2N. Last evaluated: 2017-04-27. Review status: criteria provided, single submitter. Criteria: ICSL Variant Classification Criteria 13 December 2019. Collection method: clinical testing. Allele origin: germline.
Comment: This variant was observed as part of a predisposition screen in an ostensibly healthy population. A literature search was performed for the gene, cDNA change, and amino acid change (where applicable). No publications were found based on this search. Allele frequency data from public databases was too high to be consistent with this variant causing disease. Therefore, this variant is classified as benign.

Breakthrough Genomics
Classification: Likely benign. Review status: criteria provided, single submitter. Criteria: ACMG Guidelines, 2015. Collection method: not provided. Allele origin: germline. Inheritance: Autosomal recessive inheritance. Affected: yes.

PreventionGenetics, part of Exact Sciences
Classification: Likely benign for AARS1-related condition. Last evaluated: 2019-12-06. Review status: no assertion criteria provided. Collection method: clinical testing. Allele origin: germline. Not counted in ClinVar's aggregate classification.
Comment: This variant is classified as likely benign based on ACMG/AMP sequence variant interpretation guidelines (Richards et al. 2015 PMID: 25741868, with internal and published modifications).